The following is an entry in ClinVar:

ClinVar aggregate classification (germline): Uncertain significance (1 of 4 stars; one submission).

Conditions:
Inborn genetic diseases. Identifiers: MedGen C0950123, MeSH D030342.

Submission:

Ambry Genetics
Classification: Uncertain significance for Inborn genetic diseases. Last evaluated: 2026-04-16. Review status: criteria provided, single submitter. Criteria: Ambry Variant Classification Scheme 2023. Collection method: clinical testing. Allele origin: germline.
Comment: The p.F224S variant (also known as c.671T>C), located in coding exon 1 of the SAMD9L gene, results from a T to C substitution at nucleotide position 671. The phenylalanine at codon 224 is replaced by serine, an amino acid with highly dissimilar properties. This amino acid position is conserved. In addition, the in silico prediction for this alteration is inconclusive. Based on the available evidence, the clinical significance of this variant remains unclear.

NM_152703.5(SAMD9L):c.671T>C (p.Phe224Ser)

Gene: SAMD9L (sterile alpha motif domain containing 9 like; minus strand). Cytogenetic location: 7q21.2.
Variant type: single nucleotide variant.
Coding change: c.671T>C on transcript NM_152703.5 (MANE Select); coding-DNA position 671, T replaced by C.
Protein change: p.Phe224Ser; replaces phenylalanine 224 with serine.
Molecular consequence: missense variant.
Genome position (GRCh38, 1-based): chr7:93,135,301, A>G on the plus strand (T>C on the coding strand, the complement: SAMD9L is on the minus strand). VCF-style: chr7-93135301-A-G. GRCh37 (hg19) VCF-style: chr7-92764614-A-G.
Other names: c.671T>C, p.Phe224Ser (NM_001303496.3, NM_001303497.3, NM_001303498.3 and 5 more transcripts); short protein forms F224S.
Identifiers: ClinVar variation 4863941 (VCV004863941.1).